The following is an entry in ClinVar:

ClinVar aggregate classification (germline): Pathogenic. Review status: criteria provided, multiple submitters, no conflicts (2 of 4 stars). 2 submissions from 2 submitters: Pathogenic (2). Last evaluated 2025-06-18.

Conditions:
Neurofibromatosis, type 1 (NF1). Also called: VON RECKLINGHAUSEN DISEASE; NEUROFIBROMATOSIS, TYPE I, SOMATIC; Peripheral type neurofibromatosis; Neurofibromatosis, type I. Identifiers: Orphanet 636, MedGen C0027831, MONDO:0018975, OMIM 162200. Disease mechanism: loss of function.

Submissions (2):

Quest Diagnostics Nichols Institute San Juan Capistrano
Classification: Pathogenic. Last evaluated: 2025-06-18. Review status: criteria provided, single submitter. Criteria: Quest Diagnostics criteria. Collection method: clinical testing. Allele origin: unknown.
Comment: The NF1 c.2702T>G (p.Leu901*) variant causes the premature termination of NF1 protein synthesis. This variant has been reported in an individual with NF1-Noonan syndrome (LabCorp Genetics, ClinVar ID: 659214). This variant has not been reported in large, multi-ethnic general populations (Genome Aggregation Database). Based on the available information, this variant is classified as pathogenic.

Labcorp Genetics (formerly Invitae), Labcorp
Classification: Pathogenic for Neurofibromatosis, type 1. Last evaluated: 2023-02-11. Review status: criteria provided, single submitter. Criteria: Invitae Variant Classification Sherloc (09022015). Collection method: clinical testing. Allele origin: germline.
Comment: ClinVar contains an entry for this variant (Variation ID: 659214). For these reasons, this variant has been classified as Pathogenic. This premature translational stop signal has been observed in individual(s) with clinical features of NF1-Noonan syndrome (PMID: 21520333; Invitae). This variant is not present in population databases (gnomAD no frequency). This sequence change creates a premature translational stop signal (p.Leu901*) in the NF1 gene. It is expected to result in an absent or disrupted protein product. Loss-of-function variants in NF1 are known to be pathogenic (PMID: 10712197, 23913538).

Literature cited by the submitters: PubMed 21520333 (cited by Labcorp Genetics (formerly Invitae), Labcorp); PubMed 10712197 (cited by Labcorp Genetics (formerly Invitae), Labcorp); PubMed 23913538 (cited by Labcorp Genetics (formerly Invitae), Labcorp).

NM_001042492.3(NF1):c.2702T>G (p.Leu901Ter)

Gene: NF1 (neurofibromin 1; plus strand). Cytogenetic location: 17q11.2.
Variant type: single nucleotide variant.
Coding change: c.2702T>G on transcript NM_001042492.3 (MANE Select); coding-DNA position 2702, T replaced by G.
Protein change: p.Leu901Ter; replaces leucine 901 with a stop codon.
Molecular consequence: nonsense.
Genome position (GRCh38, 1-based): chr17:31,229,317, T>G. VCF-style: chr17-31229317-T-G. GRCh37 (hg19) VCF-style: chr17-29556335-T-G.
Other names: c.2702T>G, p.Leu901Ter (NM_000267.4); short protein forms L901*.
Identifiers: ClinVar variation 659214 (VCV000659214.6), dbSNP rs1597715649, ClinGen allele CA398985031.